The following is an entry in ClinVar:

ClinVar aggregate classification (germline): Uncertain significance (1 of 4 stars; one submission).

Conditions:
PCNT-related disorder. Also called: PCNT-related condition.

gnomAD v4.1: 2 of 1,612,766 alleles (0.00012%); highest among the groups gnomAD compares: African/African-American, 0.0027%; no homozygotes.

Submission:

PreventionGenetics, part of Exact Sciences
Classification: Uncertain significance for PCNT-related condition. Last evaluated: 2025-02-28. Review status: criteria provided, single submitter. Criteria: ACMG Guidelines, 2015. Collection method: clinical testing. Allele origin: germline.
Comment: The PCNT c.6037C>G variant is predicted to result in the amino acid substitution p.Leu2013Val. To our knowledge, this variant has not been reported in the literature or in a large population database (gnomAD), indicating this variant is rare. At this time, the clinical significance of this variant is uncertain due to the absence of conclusive functional and genetic evidence.

NM_006031.6(PCNT):c.6037C>G (p.Leu2013Val)

Gene: PCNT (pericentrin; plus strand). Cytogenetic location: 21q22.3.
Variant type: single nucleotide variant.
Coding change: c.6037C>G on transcript NM_006031.6 (MANE Select); coding-DNA position 6037, C replaced by G.
Protein change: p.Leu2013Val; replaces leucine 2013 with valine.
Molecular consequence: missense variant.
Genome position (GRCh38, 1-based): chr21:46,412,879, C>G. VCF-style: chr21-46412879-C-G. GRCh37 (hg19) VCF-style: chr21-47832793-C-G.
Other names: c.5683C>G, p.Leu1895Val (NM_001315529.2); short protein forms L1895V, L2013V.
Identifiers: ClinVar variation 4984223 (VCV004984223.1).